The following is an entry in ClinVar:

NM_000815.5(GABRD):c.68+5G>C

Gene: GABRD (gamma-aminobutyric acid type A receptor subunit delta; plus strand). Cytogenetic location: 1p36.33.
Variant type: single nucleotide variant.
Coding change: c.68+5G>C on transcript NM_000815.5 (MANE Select); 5 bases into the intron after coding-DNA position 68, G replaced by C.
Molecular consequence: intron variant.
Genome position (GRCh38, 1-based): chr1:2,019,496, G>C. VCF-style: chr1-2019496-G-C. GRCh37 (hg19) VCF-style: chr1-1950935-G-C.
Identifiers: ClinVar variation 647805 (VCV000647805.6), dbSNP rs1571022283, ClinGen allele CA915941095.

ClinVar aggregate classification (germline): Uncertain significance (1 of 4 stars; one submission).

Conditions:
Idiopathic generalized epilepsy. Also called: EIG; Generalised epilepsy. Identifiers: MedGen C0270850, MONDO:0005579, OMIM 600669.

Allele frequency attached by ClinVar (database versions not stated): TOPMed below 0.00001; gnomAD 0.00001.
gnomAD v4.1: 1 of 1,111,650 alleles (0.00009%); highest among the groups gnomAD compares: African/African-American, 0.0017%; no homozygotes.

Submission:

Labcorp Genetics (formerly Invitae), Labcorp
Classification: Uncertain significance for Idiopathic generalized epilepsy. Last evaluated: 2022-09-01. Review status: criteria provided, single submitter. Criteria: Invitae Variant Classification Sherloc (09022015). Collection method: clinical testing. Allele origin: germline.
Comment: In summary, the available evidence is currently insufficient to determine the role of this variant in disease. Therefore, it has been classified as a Variant of Uncertain Significance. Variants that disrupt the consensus splice site are a relatively common cause of aberrant splicing (PMID: 17576681, 9536098). Algorithms developed to predict the effect of sequence changes on RNA splicing suggest that this variant is not likely to affect RNA splicing. ClinVar contains an entry for this variant (Variation ID: 647805). This variant has not been reported in the literature in individuals affected with GABRD-related conditions. The frequency data for this variant in the population databases is considered unreliable, as metrics indicate insufficient coverage at this position in the gnomAD database. This sequence change falls in intron 1 of the GABRD gene. It does not directly change the encoded amino acid sequence of the GABRD protein. It affects a nucleotide within the consensus splice site.

Literature cited by the submitters: PubMed 17576681; PubMed 9536098.